The following is an entry in ClinVar:

ClinVar aggregate classification (germline): Uncertain significance (1 of 4 stars; one submission).

Conditions:
Hereditary cancer-predisposing syndrome. Also called: Neoplastic Syndromes, Hereditary; Tumor predisposition; Hereditary Cancer Syndrome; Hereditary neoplastic syndrome. Identifiers: Orphanet 140162, MedGen C0027672, MeSH D009386, MONDO:0015356.

Submission:

Ambry Genetics
Classification: Uncertain significance for Hereditary cancer-predisposing syndrome. Last evaluated: 2014-01-07. Review status: criteria provided, single submitter. Criteria: Ambry Autosomal Dominant and X-Linked criteria (10/2015). Collection method: clinical testing. Allele origin: germline. Observed: 1 variant allele.
Comment: Ã¢â‚¬â€¹The c.3664_3666delGAG variant (also known as p.E1222del or 3783_3785delGAG or 3783del3) is located in coding exon 9 of the BRCA1 gene. This variant results from an in-frame deletion of three nucleotides between positions 3664 and 3666 resulting in the deletion of a glutamate residue at codon 1222. This variant was not reported in population-based cohorts in the following databases: Database of Single Nucleotide Polymorphisms (dbSNP), NHLBI Exome Sequencing Project (ESP) and 1000 Genomes Project. Based on protein sequence alignment, this amino acid position is well conserved in available vertebrate species. Since supporting evidence is limited at this time, the clinical significance of c.3664_3666delGAG remains unclear.

NM_007294.4(BRCA1):c.3664_3666del (p.Glu1222del)

Genes: BRCA1 (BRCA1 DNA repair associated; minus strand), LOC126862571 (BRD4-independent group 4 enhancer GRCh37_chr17:41243136-41244335; plus strand). Cytogenetic location: 17q21.31.
Variant type: Deletion.
Coding change: c.3664_3666del on transcript NM_007294.4 (MANE Select); coding-DNA positions 3664 to 3666, 3 bases deleted (GAG; older notation c.3664_3666delGAG).
Protein change: p.Glu1222del; deletes glutamic acid 1222.
Molecular consequence: inframe deletion. On other transcripts: intron variant (135).
Genome position (GRCh38, 1-based): chr17:43,091,865-43,091,867, CTC deleted on the plus strand (GAG on the coding strand, the reverse complement: BRCA1 is on the minus strand). VCF-style (leftmost placement, unchanged base first): chr17-43091864-GCTC-G. GRCh37 (hg19) VCF-style: chr17-41243881-GCTC-G.
Other names: c.3451_3453del, p.Glu1151del (NM_001407915.1, NM_001407916.1, NM_001407917.1 and 9 more transcripts); c.578-835_578-833del (NM_001408485.1, NM_001408483.1, NM_001408481.1 and 9 more transcripts); c.662-835_662-833del (NM_001408447.1, NM_001408433.1, NM_001408446.1 and 6 more transcripts); c.785-835_785-833del (NM_001408392.1, NM_001407972.1, NM_001408400.1 and 13 more transcripts); c.665-835_665-833del (NM_001408441.1, NM_001408437.1, NM_001408429.1 and 12 more transcripts); c.3400_3402del, p.Glu1134del (NM_001407920.1, NM_001407921.1, NM_001407922.1 and 9 more transcripts); c.3541_3543del, p.Glu1181del (NM_001407919.1, NM_001407678.1, NM_001407679.1 and 19 more transcripts); c.788-835_788-833del (NM_001407979.1, NM_001407977.1, NM_001407982.1 and 17 more transcripts); and 41 more; short protein forms E1222del, E1175del, E1152del, E1219del, E354del, E1054del, E1094del, E1154del.
Identifiers: ClinVar variation 141479 (VCV000141479.4), dbSNP rs587781779, ClinGen allele CA002347.
Genomic context (GRCh38, chr17:43,091,864, plus strand): 5'-TAGTAGACTGAGAAGGTATATTGTTTACTTTACCAAATAACAAGTGTTGGAAGCAGGGAA[GCTC>G]TTCATCCTCACTAGATAAGTTCTCTTCTGAGGACTCTAATTTCTTGGCCCCTCTTCGGTA-3'